The following is an entry in ClinVar:

NM_006389.5(HYOU1):c.1685C>A (p.Thr562Lys)

Gene: HYOU1 (hypoxia up-regulated 1; minus strand). Cytogenetic location: 11q23.3.
Variant type: single nucleotide variant.
Coding change: c.1685C>A on transcript NM_006389.5 (MANE Select); coding-DNA position 1685, C replaced by A.
Protein change: p.Thr562Lys; replaces threonine 562 with lysine.
Molecular consequence: missense variant.
Genome position (GRCh38, 1-based): chr11:119,049,818, G>T on the plus strand (C>A on the coding strand, the complement: HYOU1 is on the minus strand). VCF-style: chr11-119049818-G-T. GRCh37 (hg19) VCF-style: chr11-118920530-G-T.
Other names: c.1685C>A, p.Thr562Lys (NM_001130991.3, NM_001411041.1); short protein forms T562K.
Identifiers: ClinVar variation 3695642 (VCV003695642.2).

ClinVar aggregate classification (germline): Uncertain significance (1 of 4 stars; one submission).

Submission:

Labcorp Genetics (formerly Invitae), Labcorp
Classification: Uncertain significance. Last evaluated: 2024-02-16. Review status: criteria provided, single submitter. Criteria: Invitae Variant Classification Sherloc (09022015). Collection method: clinical testing. Allele origin: germline.
Comment: This sequence change replaces threonine, which is neutral and polar, with lysine, which is basic and polar, at codon 562 of the HYOU1 protein (p.Thr562Lys). This variant is not present in population databases (gnomAD no frequency). This variant has not been reported in the literature in individuals affected with HYOU1-related conditions. An algorithm developed to predict the effect of missense changes on protein structure and function (PolyPhen-2) suggests that this variant is likely to be tolerated. In summary, the available evidence is currently insufficient to determine the role of this variant in disease. Therefore, it has been classified as a Variant of Uncertain Significance.